The following is an entry in ClinVar:

NM_004415.4(DSP):c.6188G>T (p.Arg2063Leu)

Gene: DSP (desmoplakin; plus strand). Cytogenetic location: 6p24.3.
Variant type: single nucleotide variant.
Coding change: c.6188G>T on transcript NM_004415.4 (MANE Select); coding-DNA position 6188, G replaced by T.
Protein change: p.Arg2063Leu; replaces arginine 2063 with leucine.
Molecular consequence: missense variant.
Genome position (GRCh38, 1-based): chr6:7,583,450, G>T. VCF-style: chr6-7583450-G-T. GRCh37 (hg19) VCF-style: chr6-7583683-G-T.
Other names: c.4391G>T, p.Arg1464Leu (NM_001008844.3); c.4859G>T, p.Arg1620Leu (NM_001319034.2); short protein forms R1464L, R2063L, R1620L.
Identifiers: ClinVar variation 922978 (VCV000922978.4), dbSNP rs142927608, ClinGen allele CA362690265.

ClinVar aggregate classification (germline): Uncertain significance (1 of 4 stars; one submission).

Conditions:
Cardiomyopathy (CMYO). Also called: Cardiomyopathies. Identifiers: Orphanet 167848, MedGen C0878544, MONDO:0004994, HP:0001638. Inheritance: Various modes of inheritance.

Submission:

Color Diagnostics, LLC DBA Color Health
Classification: Uncertain significance for Cardiomyopathy. Last evaluated: 2024-03-06. Review status: criteria provided, single submitter. Criteria: ACMG Guidelines, 2015. Collection method: clinical testing. Allele origin: germline.
Comment: This missense variant replaces arginine with leucine at codon 2063 of the DSP protein. Computational prediction suggests that this variant may not impact protein structure and function (internally defined REVEL score threshold <= 0.5, PMID: 27666373). To our knowledge, functional studies have not been reported for this variant. This variant has not been reported in individuals affected with cardiovascular disorders in the literature. This variant has not been identified in the general population by the Genome Aggregation Database (gnomAD). The available evidence is insufficient to determine the role of this variant in disease conclusively. Therefore, this variant is classified as a Variant of Uncertain Significance.